The following is an entry in ClinVar:

ClinVar aggregate classification (germline): Conflicting classifications of pathogenicity. Review status: criteria provided, conflicting classifications (1 of 4 stars). 2 submissions from 2 submitters: Uncertain significance (1); Likely benign (1). Last evaluated 2025-05-18.

Conditions:
Autosomal dominant pseudohypoaldosteronism type 1. Also called: Pseudohypoaldosteronism, Type I, Autosomal Dominant; PHA I, AUTOSOMAL DOMINANT; Pseudohypoaldosteronism, Type I, Dominant. Identifiers: Orphanet 171871, Orphanet 756, MedGen C1449842, MONDO:0008329, OMIM 177735.
Pseudohyperaldosteronism type 2. Identifiers: Orphanet 88660, MedGen C1854631, MONDO:0011517, OMIM 605115.

gnomAD v4.1: 38 of 1,612,802 alleles (0.0024%); highest among the groups gnomAD compares: South Asian, 0.0088%; no homozygotes.

Submissions (2):

Labcorp Genetics (formerly Invitae), Labcorp
Classification: Uncertain significance. Last evaluated: 2025-05-18. Review status: criteria provided, single submitter. Criteria: Invitae Variant Classification Sherloc (09022015). Collection method: clinical testing. Allele origin: germline.
Comment: This sequence change replaces arginine, which is basic and polar, with glutamine, which is neutral and polar, at codon 18 of the NR3C2 protein (p.Arg18Gln). This variant is present in population databases (rs770059383, gnomAD 0.01%). This variant has not been reported in the literature in individuals affected with NR3C2-related conditions. ClinVar contains an entry for this variant (Variation ID: 3590250). An algorithm developed to predict the effect of missense changes on protein structure and function outputs the following: PolyPhen-2: "Benign". The glutamine amino acid residue is found in multiple mammalian species, which suggests that this missense change does not adversely affect protein function. In summary, the available evidence is currently insufficient to determine the role of this variant in disease. Therefore, it has been classified as a Variant of Uncertain Significance.

Fulgent Genetics
Classification: Likely benign for Autosomal dominant pseudohypoaldosteronism type 1; Pseudohyperaldosteronism type 2. Last evaluated: 2024-04-30. Review status: criteria provided, single submitter. Criteria: ACMG Guidelines, 2015. Collection method: clinical testing. Allele origin: germline.

NM_000901.5(NR3C2):c.53G>A (p.Arg18Gln)

Gene: NR3C2 (nuclear receptor subfamily 3 group C member 2; minus strand). Cytogenetic location: 4q31.23.
Variant type: single nucleotide variant.
Coding change: c.53G>A on transcript NM_000901.5 (MANE Select); coding-DNA position 53, G replaced by A.
Protein change: p.Arg18Gln; replaces arginine 18 with glutamine.
Molecular consequence: missense variant. On other transcripts: non-coding transcript variant (1).
Genome position (GRCh38, 1-based): chr4:148,436,808, C>T on the plus strand (G>A on the coding strand, the complement: NR3C2 is on the minus strand). VCF-style: chr4-148436808-C-T. GRCh37 (hg19) VCF-style: chr4-149357960-C-T.
Other names: c.53G>A, p.Arg18Gln (NM_001166104.2, NM_001354819.1); short protein forms R18Q.
Identifiers: ClinVar variation 3590250 (VCV003590250.2).